The following is an entry in ClinVar:

NM_000166.6(GJB1):c.646del (p.Ala216fs)

Gene: GJB1 (gap junction protein beta 1; plus strand). Cytogenetic location: Xq13.1.
Variant type: Deletion.
Coding change: c.646del on transcript NM_000166.6 (MANE Select); coding-DNA position 646, one base deleted (G; older notation c.646delG).
Protein change: p.Ala216fs; shifts the reading frame from alanine 216.
Molecular consequence: frameshift variant.
Genome position (GRCh38, 1-based): chrX:71,224,353, G deleted; the last of 3 consecutive G bases (chrX:71,224,351-71,224,353); deleting any one gives the same sequence. VCF-style (leftmost placement, unchanged base first): chrX-71224350-CG-C. GRCh37 (hg19) VCF-style: chrX-70444200-CG-C.
Other names: c.646del, p.Ala216fs (NM_001097642.3, NM_001440770.1); short protein forms A216fs.
Identifiers: ClinVar variation 4795924 (VCV004795924.1).
Genomic context (GRCh38, chrX:71,224,350, plus strand): 5'-CTAGCTGCCTCTGGCATCTGCATCATCCTCAATGTGGCCGAGGTGGTGTACCTCATCATC[CG>C]GGCCTGTGCCCGCCGAGCCCAGCGCCGCTCCAATCCACCTTCCCGCAAGGGCTCGGGCTT-3'

ClinVar aggregate classification (germline): Likely pathogenic (1 of 4 stars; one submission).

Conditions:
Charcot-Marie-Tooth disease X-linked dominant 1. Also called: GJB1 Disorders: Charcot-Marie-Tooth Neuropathy (CMT1X) and Central Nervous System Phenotypes; HEREDITARY MOTOR AND SENSORY NEUROPATHY, X-LINKED; HMSN, X-LINKED; Charcot-Marie-Tooth Neuropathy X Type 1; X-linked Charcot-Marie-Tooth disease type 1; CHARCOT-MARIE-TOOTH NEUROPATHY, X-LINKED, 1. Identifiers: Orphanet 101075, MedGen C0393808, MONDO:0010549, OMIM 302800.

Submission:

Variantyx, Inc.
Classification: Likely pathogenic for Charcot-Marie-Tooth disease X-linked dominant 1. Last evaluated: 2025-06-03. Review status: criteria provided, single submitter. Criteria: Variantyx Assertion Criteria 2022. Collection method: clinical testing. Allele origin: maternal. Inheritance: X-linked dominant inheritance.
Comment: This is a frameshift variant in the GJB1 gene (OMIM: 304040). Pathogenic variants in this gene have been associated with X-linked Charcot-Marie-Tooth neuropathy 1. This variant introduces a premature termination codon in exon 2 out of 2 and is expected to result in loss of function, which is a known disease mechanism for GJB1 in this disorder (PMID: 17353473) (PVS1). This variant is absent from control populations (PM2) and has not been reported in individuals with GJB1-related disorders in the databases available for review. Based on the current evidence, this variant is classified as likely pathogenic for X-linked Charcot-Marie-Tooth neuropathy 1.

Literature cited by the submitters: PubMed 17353473.